The following is an entry in ClinVar:

ClinVar aggregate classification (germline): Uncertain significance. Review status: criteria provided, multiple submitters, no conflicts (2 of 4 stars). 2 submissions from 2 submitters: Uncertain significance (2). Last evaluated 2023-12-06.

Conditions:
Charcot-Marie-Tooth disease type 2. Also called: Charcot-Marie-Tooth type 2. Identifiers: Orphanet 64746, MedGen C0270914, MONDO:0018993.

Submissions (2):

Ambry Genetics
Classification: Uncertain significance. Last evaluated: 2023-12-06. Review status: criteria provided, single submitter. Criteria: Ambry Variant Classification Scheme 2023. Collection method: clinical testing. Allele origin: germline.
Comment: The c.2865A>G variant (also known as p.E955E), located in coding exon 25 of the KIF1B gene, results from an A to G substitution at nucleotide position 2865. This nucleotide substitution does not change the glutamic acid at codon 955. This nucleotide position is not well conserved in available vertebrate species. In silico splice site analysis predicts that this alteration will result in the creation or strengthening of a novel splice donor site. The evidence for this gene-disease relationship is limited; therefore, the clinical significance of this alteration is unclear.

Labcorp Genetics (formerly Invitae), Labcorp
Classification: Uncertain significance for Charcot-Marie-Tooth disease type 2. Last evaluated: 2014-05-07. Review status: criteria provided, single submitter. Criteria: Invitae Variant Classification Sherloc (09022015). Collection method: clinical testing. Allele origin: germline.
Comment: There is no evidence to indicate that this sequence change is pathogenic. It is possible that this sequence change represents a benign polymorphism in the KIF1B gene, although at this time the evidence is insufficient to prove that conclusively. This sequence change has not been reported in affected patients and has not been reported as a common polymorphism in the population.

NM_001365951.3(KIF1B):c.3003A>G (p.Glu1001=)

Gene: KIF1B (kinesin family member 1B; plus strand). Cytogenetic location: 1p36.22.
Variant type: single nucleotide variant.
Coding change: c.3003A>G on transcript NM_001365951.3 (MANE Select); coding-DNA position 3003, A replaced by G.
Protein change: p.Glu1001=; no amino-acid change (glutamic acid 1001 retained).
Molecular consequence: synonymous variant.
Genome position (GRCh38, 1-based): chr1:10,334,598, A>G. VCF-style: chr1-10334598-A-G. GRCh37 (hg19) VCF-style: chr1-10394656-A-G.
Other names: c.3003A>G, p.Glu1001= (NM_001365952.1); c.2865A>G, p.Glu955= (NM_015074.3).
Identifiers: ClinVar variation 1052248 (VCV001052248.10), dbSNP rs1652092259, ClinGen allele CA415881772.
Genomic context (GRCh38, chr1:10,334,598, plus strand): 5'-CAATCTGCTGTATCCCGTGCCCCTGATCCACAGGGTGGCCATCGTCAGTGAGAAAGGTGA[A>G]GTGCGGGGATTTCTGCGTGTGGCTGTACAGGCCATCGCAGGTAGGTGACCCTCTTCTGAA-3'
Protein context (NP_001352880.1, residues 991-1011): HRVAIVSEKG[Glu1001=]VRGFLRVAVQ